The following is an entry in ClinVar:

ClinVar aggregate classification (germline): Likely pathogenic (1 of 4 stars; one submission).

Submission:

GeneDx
Classification: Likely pathogenic. Last evaluated: 2019-04-16. Review status: criteria provided, single submitter. Criteria: GeneDx Variant Classification Process June 2021. Collection method: clinical testing. Allele origin: germline. Affected: yes.
Comment: Not observed in large population cohorts (Lek et al., 2016); This variant is associated with the following publications: (PMID: 19500876, 28440912, 20876876, 24659262)

NM_000077.5(CDKN2A):c.281T>C (p.Leu94Pro)

Gene: CDKN2A (cyclin dependent kinase inhibitor 2A; minus strand). Cytogenetic location: 9p21.3.
Variant type: single nucleotide variant.
Coding change: c.281T>C on transcript NM_000077.5; coding-DNA position 281, T replaced by C.
Protein change: p.Leu94Pro; replaces leucine 94 with proline.
Molecular consequence: missense variant (on NM_000077.6). On other transcripts: synonymous variant (1), 3 prime UTR variant (1).
Genome position (GRCh38, 1-based): chr9:21,971,078, A>G on the plus strand (T>C on the coding strand, the complement: CDKN2A is on the minus strand). VCF-style: chr9-21971078-A-G. GRCh37 (hg19) VCF-style: chr9-21971077-A-G.
Other names: c.281T>C, p.Leu94Pro (NM_000077.6, NM_001195132.2); c.128T>C, p.Leu43Pro (NM_001363763.2); c.324T>C, p.Ala108= (NM_058195.4); c.*204T>C (NM_058197.5); short protein forms L43P, L94P.
Identifiers: ClinVar variation 1215320 (VCV001215320.3), dbSNP rs1819703656, ClinGen allele CA373086154.